The following is an entry in ClinVar:

NM_006929.5(SKIC2):c.3127del (p.Leu1043fs)

Gene: SKIC2 (SKI2 subunit of superkiller complex; plus strand). Cytogenetic location: 6p21.33.
Variant type: Deletion.
Coding change: c.3127del on transcript NM_006929.5 (MANE Select); coding-DNA position 3127, one base deleted (C; older notation c.3127delC).
Protein change: p.Leu1043fs; shifts the reading frame from leucine 1043.
Molecular consequence: frameshift variant.
Genome position (GRCh38, 1-based): chr6:31,968,743, C deleted; the last of 2 consecutive C bases (chr6:31,968,742-31,968,743); deleting either gives the same sequence. VCF-style (leftmost placement, unchanged base first): chr6-31968741-TC-T. GRCh37 (hg19) VCF-style: chr6-31936518-TC-T.
Other names: short protein forms L1043fs.
Identifiers: ClinVar variation 2857168 (VCV002857168.3), dbSNP rs2483002301, ClinGen allele CA2739272892.

ClinVar aggregate classification (germline): Pathogenic (1 of 4 stars; one submission).

Submission:

Labcorp Genetics (formerly Invitae), Labcorp
Classification: Pathogenic. Last evaluated: 2023-04-18. Review status: criteria provided, single submitter. Criteria: Invitae Variant Classification Sherloc (09022015). Collection method: clinical testing. Allele origin: germline.
Comment: This sequence change creates a premature translational stop signal (p.Leu1043Tyrfs*17) in the SKIV2L gene. It is expected to result in an absent or disrupted protein product. Loss-of-function variants in SKIV2L are known to be pathogenic (PMID: 22444670). This variant is not present in population databases (gnomAD no frequency). This variant has not been reported in the literature in individuals affected with SKIV2L-related conditions. For these reasons, this variant has been classified as Pathogenic.

Literature cited by the submitters: PubMed 22444670.